The following is an entry in ClinVar:

NM_013372.7(GREM1):c.175G>A (p.Gly59Arg)

Gene: GREM1 (gremlin 1, DAN family BMP antagonist; plus strand). Cytogenetic location: 15q13.3.
Variant type: single nucleotide variant.
Coding change: c.175G>A on transcript NM_013372.7 (MANE Select); coding-DNA position 175, G replaced by A.
Protein change: p.Gly59Arg; replaces glycine 59 with arginine.
Molecular consequence: missense variant. On other transcripts: intron variant (2).
Genome position (GRCh38, 1-based): chr15:32,730,865, G>A. VCF-style: chr15-32730865-G-A. GRCh37 (hg19) VCF-style: chr15-33023066-G-A.
Other names: c.175G>A, p.Gly59Arg (NM_001368719.1); c.114+61G>A (NM_001191323.2); c.28-63G>A (NM_001191322.2); short protein forms G59R.
Identifiers: ClinVar variation 1779559 (VCV001779559.2), dbSNP rs1230965844, ClinGen allele CA391557344.
Genomic context (GRCh38, chr15:32,730,865, plus strand): 5'-GCCCAGCACAATGACTCAGAGCAGACTCAGTCGCCCCAGCAGCCTGGCTCCAGGAACCGG[G>A]GGCGGGGCCAAGGGCGGGGCACTGCCATGCCCGGGGAGGAGGTGCTGGAGTCCAGCCAAG-3'
Protein context (NP_037504.1, residues 49-69): SPQQPGSRNR[Gly59Arg]RGQGRGTAMP

ClinVar aggregate classification (germline): Uncertain significance (1 of 4 stars; one submission).

Conditions:
Hereditary cancer-predisposing syndrome. Also called: Neoplastic Syndromes, Hereditary; Tumor predisposition; Hereditary Cancer Syndrome; Hereditary neoplastic syndrome. Identifiers: Orphanet 140162, MedGen C0027672, MeSH D009386, MONDO:0015356.

Allele frequency attached by ClinVar (database versions not stated): gnomAD exomes below 0.00001.

Submission:

Ambry Genetics
Classification: Uncertain significance for Hereditary cancer-predisposing syndrome. Last evaluated: 2022-04-12. Review status: criteria provided, single submitter. Criteria: Ambry Variant Classification Scheme 2023. Collection method: clinical testing. Allele origin: germline.
Comment: The p.G59R variant (also known as c.175G>A), located in coding exon 1 of the GREM1 gene, results from a G to A substitution at nucleotide position 175. The glycine at codon 59 is replaced by arginine, an amino acid with dissimilar properties. This amino acid position is conserved. In addition, this alteration is predicted to be tolerated by in silico analysis. Since supporting evidence is limited at this time, the clinical significance of this alteration remains unclear.